The following is an entry in ClinVar:

ClinVar aggregate classification (germline): Benign/Likely benign. Review status: criteria provided, multiple submitters, no conflicts (2 of 4 stars). 4 submissions from 4 submitters: Benign (1); Likely benign (3). Last evaluated 2024-08-07.

Conditions:
Hereditary cancer-predisposing syndrome. Also called: Neoplastic Syndromes, Hereditary; Hereditary neoplastic syndrome; Tumor predisposition; Hereditary Cancer Syndrome. Identifiers: Orphanet 140162, MedGen C0027672, MeSH D009386, MONDO:0015356.
Juvenile polyposis syndrome (JPS). Identifiers: Orphanet 2929, MedGen C0345893, MONDO:0017380, OMIM 174900.

Submissions (4):

Myriad Genetics, Inc.
Classification: Benign for Juvenile polyposis syndrome. Last evaluated: 2024-08-07. Review status: criteria provided, single submitter. Criteria: Myriad Autosomal Dominant, Autosomal Recessive and X-Linked Classification Criteria (2023). Collection method: clinical testing. Allele origin: unknown.
Comment: This variant is considered benign. This variant is a silent/synonymous amino acid change and it is not expected to impact splicing.

Labcorp Genetics (formerly Invitae), Labcorp
Classification: Likely benign for Juvenile polyposis syndrome. Last evaluated: 2024-03-19. Review status: criteria provided, single submitter. Criteria: Invitae Variant Classification Sherloc (09022015). Collection method: clinical testing. Allele origin: germline.

Color Diagnostics, LLC DBA Color Health
Classification: Likely benign for Hereditary cancer-predisposing syndrome. Last evaluated: 2023-02-16. Review status: criteria provided, single submitter. Criteria: ACMG Guidelines, 2015. Collection method: clinical testing. Allele origin: germline.

Ambry Genetics
Classification: Likely benign for Hereditary cancer-predisposing syndrome. Last evaluated: 2018-06-28. Review status: criteria provided, single submitter. Criteria: Ambry Variant Classification Scheme 2023. Collection method: clinical testing. Allele origin: germline.

NM_004329.3(BMPR1A):c.1263C>T (p.His421=)

Gene: BMPR1A (bone morphogenetic protein receptor type 1A; plus strand). Cytogenetic location: 10q23.2.
Variant type: single nucleotide variant.
Coding change: c.1263C>T on transcript NM_004329.3 (MANE Select); coding-DNA position 1263, C replaced by T.
Protein change: p.His421=; no amino-acid change (histidine 421 retained).
Molecular consequence: synonymous variant.
Genome position (GRCh38, 1-based): chr10:86,921,616, C>T. VCF-style: chr10-86921616-C-T. GRCh37 (hg19) VCF-style: chr10-88681373-C-T.
Identifiers: ClinVar variation 792595 (VCV000792595.15), dbSNP rs1589292651, ClinGen allele CA470308349.